The following is an entry in ClinVar:

NM_002971.6(SATB1):c.1385C>A (p.Pro462His)

Gene: SATB1 (SATB homeobox 1; minus strand). Cytogenetic location: 3p24.3.
Variant type: single nucleotide variant.
Coding change: c.1385C>A on transcript NM_002971.6 (MANE Select); coding-DNA position 1385, C replaced by A.
Protein change: p.Pro462His; replaces proline 462 with histidine.
Molecular consequence: missense variant.
Genome position (GRCh38, 1-based): chr3:18,386,433, G>T on the plus strand (C>A on the coding strand, the complement: SATB1 is on the minus strand). VCF-style: chr3-18386433-G-T. GRCh37 (hg19) VCF-style: chr3-18427925-G-T.
Other names: c.1385C>A, p.Pro462His (NM_001131010.4, NM_001195470.3, NM_001322871.2 and 4 more transcripts); c.1169C>A, p.Pro390His (NM_001322876.2); short protein forms P390H, P462H.
Identifiers: ClinVar variation 4882071 (VCV004882071.2).

ClinVar aggregate classification (germline): Uncertain significance (1 of 4 stars; one submission).

Conditions:
Complex neurodevelopmental disorder. Identifiers: Orphanet 528084, MedGen C5568766, MONDO:0100038.

Submission:

Dasa
Classification: Uncertain significance for Complex neurodevelopmental disorder. Last evaluated: 2025-12-26. Review status: criteria provided, single submitter. Criteria: DASA Assertion Criteria. Collection method: clinical testing. Allele origin: germline.
Comment: NM_002971.6(SATB1):c.1385C>A (p.Pro462His) is a missense variant that results in the substitution of proline with histidine. This variant is rare in population databases. The currently available literature and clinical evidence are not sufficient to establish a definitive association between this variant and the reported condition. Therefore, this variant is classified as a variant of uncertain significance.